The following is an entry in ClinVar:

ClinVar aggregate classification (germline): Likely benign. Review status: criteria provided, multiple submitters, no conflicts (2 of 4 stars). 3 submissions from 3 submitters: Likely benign (3). Last evaluated 2026-02-18.

Conditions:
CNGB1-related disorder. Also called: CNGB1-related condition.

Allele frequency attached by ClinVar (database versions not stated): gnomAD exomes 0.00003 and 0.00004; ExAC 0.00005; ESP Exome Variant Server 0.00016; gnomAD 0.00017; TOPMed 0.00019.
gnomAD v4.1: 83 of 1,614,154 alleles (0.0051%); highest among the groups gnomAD compares: African/African-American, 0.055%; no homozygotes.

Submissions (3):

PreventionGenetics, part of Exact Sciences
Classification: Likely benign for CNGB1-related condition. Last evaluated: 2026-02-18. Review status: criteria provided, single submitter. Criteria: ACMG Guidelines, 2015. Collection method: clinical testing. Allele origin: germline.
Comment: This variant is classified as likely benign based on ACMG/AMP sequence variant interpretation guidelines (Richards et al. 2015 PMID: 25741868, with internal and published modifications).

Labcorp Genetics (formerly Invitae), Labcorp
Classification: Likely benign. Last evaluated: 2025-12-22. Review status: criteria provided, single submitter. Criteria: Invitae Variant Classification Sherloc (09022015). Collection method: clinical testing. Allele origin: germline.

Blueprint Genetics
Classification: Likely benign. Last evaluated: 2022-04-13. Review status: criteria provided, single submitter. Criteria: ACMG Guidelines, 2015. Collection method: clinical testing. Allele origin: germline.

NM_001297.5(CNGB1):c.1464C>T (p.Thr488=)

Gene: CNGB1 (cyclic nucleotide gated channel subunit beta 1; minus strand). Cytogenetic location: 16q21.
Variant type: single nucleotide variant.
Coding change: c.1464C>T on transcript NM_001297.5 (MANE Select); coding-DNA position 1464, C replaced by T.
Protein change: p.Thr488=; no amino-acid change (threonine 488 retained).
Molecular consequence: synonymous variant.
Genome position (GRCh38, 1-based): chr16:57,931,787, G>A on the plus strand (C>T on the coding strand, the complement: CNGB1 is on the minus strand). VCF-style: chr16-57931787-G-A. GRCh37 (hg19) VCF-style: chr16-57965691-G-A.
Other names: c.1446C>T, p.Thr482= (NM_001286130.2); c.1464C>T (NM_001297.4).
Identifiers: ClinVar variation 1568099 (VCV001568099.10), dbSNP rs372219689, ClinGen allele CA8083423.